The following is an entry in ClinVar:

ClinVar aggregate classification (germline): Uncertain significance (1 of 4 stars; one submission).

gnomAD v4.1: 5 of 1,612,192 alleles (0.00031%); highest among the groups gnomAD compares: African/African-American, 0.0067%; no homozygotes.

Submission:

Labcorp Genetics (formerly Invitae), Labcorp
Classification: Uncertain significance. Last evaluated: 2025-06-12. Review status: criteria provided, single submitter. Criteria: Invitae Variant Classification Sherloc (09022015). Collection method: clinical testing. Allele origin: germline.
Comment: This sequence change replaces glutamine, which is neutral and polar, with histidine, which is basic and polar, at codon 213 of the SRP54 protein (p.Gln213His). This variant is present in population databases (rs774984145, gnomAD 0.01%). This variant has not been reported in the literature in individuals affected with SRP54-related conditions. An algorithm developed to predict the effect of missense changes on protein structure and function (PolyPhen-2) suggests that this variant is likely to be tolerated. In summary, the available evidence is currently insufficient to determine the role of this variant in disease. Therefore, it has been classified as a Variant of Uncertain Significance.

NM_003136.4(SRP54):c.639A>C (p.Gln213His)

Gene: SRP54 (signal recognition particle 54; plus strand). Cytogenetic location: 14q13.2.
Variant type: single nucleotide variant.
Coding change: c.639A>C on transcript NM_003136.4 (MANE Select); coding-DNA position 639, A replaced by C.
Protein change: p.Gln213His; replaces glutamine 213 with histidine.
Molecular consequence: missense variant.
Genome position (GRCh38, 1-based): chr14:35,013,348, A>C. VCF-style: chr14-35013348-A-C. GRCh37 (hg19) VCF-style: chr14-35482554-A-C.
Other names: c.492A>C, p.Gln164His (NM_001146282.2); c.639A>C, p.Gln213His (NM_001411017.1, NM_001440813.1); short protein forms Q164H, Q213H.
Identifiers: ClinVar variation 4779532 (VCV004779532.1).